The following is an entry in ClinVar:

ClinVar aggregate classification (germline): Uncertain significance. Review status: criteria provided, single submitter (1 of 4 stars). 2 submissions from 2 submitters: Uncertain significance (1). 1 of the submissions does not count toward it. Last evaluated 2021-08-27.

Conditions:
Abetalipoproteinaemia (ABL). Also called: Abetalipoproteinemia; Abetalipoproteinemia neuropathy; Apolipoprotein B deficiency; Congenital betalipoprotein deficiency syndrome; MTP DEFICIENCY. Identifiers: Orphanet 14, MedGen C0000744, MONDO:0008692, OMIM 200100, HP:0008181.

Allele frequency attached by ClinVar (database versions not stated): gnomAD exomes 0.00003; ExAC 0.00004; gnomAD 0.00005 and 0.00006; TOPMed 0.00006; ESP Exome Variant Server 0.00015.
gnomAD v4.1: 16 of 1,613,842 alleles (0.00099%); highest among the groups gnomAD compares: African/African-American, 0.021%; no homozygotes.

Submissions (2):

Labcorp Genetics (formerly Invitae), Labcorp
Classification: Uncertain significance. Last evaluated: 2021-08-27. Review status: criteria provided, single submitter. Criteria: Invitae Variant Classification Sherloc (09022015). Collection method: clinical testing. Allele origin: germline.
Comment: This sequence change replaces isoleucine with methionine at codon 186 of the MTTP protein (p.Ile186Met). The isoleucine residue is weakly conserved and there is a small physicochemical difference between isoleucine and methionine. This variant is present in population databases (rs375982037, ExAC 0.05%). This variant has not been reported in the literature in individuals affected with MTTP-related conditions. Algorithms developed to predict the effect of missense changes on protein structure and function (SIFT, PolyPhen-2, Align-GVGD) all suggest that this variant is likely to be tolerated. In summary, the available evidence is currently insufficient to determine the role of this variant in disease. Therefore, it has been classified as a Variant of Uncertain Significance.

Natera, Inc.
Classification: Uncertain significance for Abetalipoproteinemia. Last evaluated: 2020-07-02. Review status: no assertion criteria provided. Collection method: clinical testing. Allele origin: germline. Not counted in ClinVar's aggregate classification.

NM_001386140.1(MTTP):c.558C>G (p.Ile186Met)

Gene: MTTP (microsomal triglyceride transfer protein; plus strand). Cytogenetic location: 4q23.
Variant type: single nucleotide variant.
Coding change: c.558C>G on transcript NM_001386140.1 (MANE Select); coding-DNA position 558, C replaced by G.
Protein change: p.Ile186Met; replaces isoleucine 186 with methionine.
Molecular consequence: missense variant.
Genome position (GRCh38, 1-based): chr4:99,591,291, C>G. VCF-style: chr4-99591291-C-G. GRCh37 (hg19) VCF-style: chr4-100512448-C-G.
Other names: c.558C>G, p.Ile186Met (NM_000253.4); c.309C>G, p.Ile103Met (NM_001300785.2); short protein forms I103M, I186M.
Identifiers: ClinVar variation 1023877 (VCV001023877.3), dbSNP rs375982037, ClinGen allele CA3021887.